The following is an entry in ClinVar:

NM_015570.4(AUTS2):c.1932G>A (p.Arg644=)

Gene: AUTS2 (activator of transcription and developmental regulator AUTS2; plus strand). Cytogenetic location: 7q11.22.
Variant type: single nucleotide variant.
Coding change: c.1932G>A on transcript NM_015570.4 (MANE Select); coding-DNA position 1932, G replaced by A.
Protein change: p.Arg644=; no amino-acid change (arginine 644 retained).
Molecular consequence: synonymous variant.
Genome position (GRCh38, 1-based): chr7:70,775,386, G>A. VCF-style: chr7-70775386-G-A. GRCh37 (hg19) VCF-style: chr7-70240372-G-A.
Other names: c.1860G>A, p.Arg620= (NM_001127231.3).
Identifiers: ClinVar variation 3639770 (VCV003639770.2).

ClinVar aggregate classification (germline): Uncertain significance (1 of 4 stars; one submission).

gnomAD v4.1: 1 of 1,611,852 alleles (0.000062%); highest among the groups gnomAD compares: Non-Finnish European, 0.000085%; no homozygotes.

Submission:

Labcorp Genetics (formerly Invitae), Labcorp
Classification: Uncertain significance. Last evaluated: 2024-02-08. Review status: criteria provided, single submitter. Criteria: Invitae Variant Classification Sherloc (09022015). Collection method: clinical testing. Allele origin: germline.
Comment: This sequence change affects codon 644 of the AUTS2 mRNA. It is a 'silent' change, meaning that it does not change the encoded amino acid sequence of the AUTS2 protein. This variant also falls at the last nucleotide of exon 13, which is part of the consensus splice site for this exon. This variant is not present in population databases (gnomAD no frequency). This variant has not been reported in the literature in individuals affected with AUTS2-related conditions. Variants that disrupt the consensus splice site are a relatively common cause of aberrant splicing (PMID: 17576681, 9536098). Algorithms developed to predict the effect of sequence changes on RNA splicing suggest that this variant may disrupt the consensus splice site. In summary, the available evidence is currently insufficient to determine the role of this variant in disease. Therefore, it has been classified as a Variant of Uncertain Significance.

Literature cited by the submitters: PubMed 17576681; PubMed 9536098.